The following is an entry in ClinVar:

NM_005518.4(HMGCS2):c.633C>T (p.Ala211=)

Gene: HMGCS2 (3-hydroxy-3-methylglutaryl-CoA synthase 2; minus strand). Cytogenetic location: 1p12.
Variant type: single nucleotide variant.
Coding change: c.633C>T on transcript NM_005518.4 (MANE Select); coding-DNA position 633, C replaced by T.
Protein change: p.Ala211=; no amino-acid change (alanine 211 retained).
Molecular consequence: synonymous variant. On other transcripts: intron variant (1).
Genome position (GRCh38, 1-based): chr1:119,759,916, G>A on the plus strand (C>T on the coding strand, the complement: HMGCS2 is on the minus strand). VCF-style: chr1-119759916-G-A. GRCh37 (hg19) VCF-style: chr1-120302539-G-A.
Other names: c.560-634C>T (NM_001166107.1).
Identifiers: ClinVar variation 618165 (VCV000618165.16), dbSNP rs370124069, ClinGen allele CA420026565.
Genomic context (GRCh38, chr1:119,759,916, plus strand): 5'-CTACAAACCTCGCTCCAGGGCCAGAGGGGCCTTGGGCCCAATCAGCATAGCCACAGCTCC[G>A]GCCCCACCTGTGGGACGAGCATTACCACTGGGATAGACGGCAATGTCTCCACAGACCACC-3'
Protein context (NP_005509.1, residues 201-221): PSGNARPTGG[Ala211=]GAVAMLIGPK

ClinVar aggregate classification (germline): Likely benign. Review status: criteria provided, multiple submitters, no conflicts (2 of 4 stars). 2 submissions from 2 submitters: Likely benign (2). Last evaluated 2020-11-21.

Conditions:
3-hydroxy-3-methylglutaryl-CoA synthase deficiency (HMGCS2D). Also called: HMGCS2 DEFICIENCY; HMG-CoA synthase-2 deficiency; MITOCHONDRIAL HMG-CoA SYNTHASE DEFICIENCY. Identifiers: Orphanet 35701, MedGen C2751532, MONDO:0011614, OMIM 605911.

Allele frequency attached by ClinVar (database versions not stated): gnomAD exomes 0.00001.
gnomAD v4.1: 17 of 1,614,124 alleles (0.0011%); highest among the groups gnomAD compares: Non-Finnish European, 0.0013%; no homozygotes.

Submissions (2):

Labcorp Genetics (formerly Invitae), Labcorp
Classification: Likely benign for 3-hydroxy-3-methylglutaryl-CoA synthase deficiency. Last evaluated: 2020-11-21. Review status: criteria provided, single submitter. Criteria: Invitae Variant Classification Sherloc (09022015). Collection method: clinical testing. Allele origin: germline.

ARUP Laboratories, Molecular Genetics and Genomics, ARUP Laboratories
Classification: Likely benign. Last evaluated: 2018-04-06. Review status: criteria provided, single submitter. Criteria: ARUP Molecular Germline Variant Investigation Process. Collection method: clinical testing. Allele origin: germline.
Comment: The c.633C>T; p.Ala211Ala variant does not alter the amino acid sequence of the HMGCS2 protein and computational splice site prediction algorithms do not predict a change in the nearest splice site or creation of a cryptic splice site. This variant has not been reported in association with mitochondrial disease in medical literature or in gene specific variation databases. This variant is listed in the genome Aggregation Database (gnomAD) with an overall population frequency of 0.008% (identified on 2 out of 245,900 chromosomes). Based on the available information, the c.633C>T variant is likely to be benign.